The following is an entry in ClinVar:

NC_000009.12:g.32891932T>C

Variant type: single nucleotide variant.
Genome position: GRCh38 VCF-style: chr9-32891932-T-C. GRCh37 (hg19) VCF-style: chr9-32891930-T-C.
Identifiers: ClinVar variation 3256851 (VCV003256851.2).
Genomic context (GRCh38, chr9:32,891,932, plus strand): 5'-TTGAGCAATACTCCAACATCATTTTCTCCAACTTCATGAAATCCTGAAATGTTTGCAAGA[T>C]AATTTCACTTCAGAACCTATTTATATTGATTTTGCATTTATACTATCAGATGTTACAATA-3'

ClinVar aggregate classification (germline): Benign (1 of 4 stars; one submission).

Submission:

Unidad de Genómica Garrahan, Hospital de Pediatría Garrahan
Classification: Benign. Last evaluated: 2024-07-31. Review status: criteria provided, single submitter. Criteria: ACMG Guidelines, 2015. Collection method: clinical testing. Allele origin: germline. Affected: no. Observed: 73 variant alleles.
Comment: This variant is classified as Benign based on local population frequency. This variant was detected in 78% of patients studied in a panel designed for Epileptic and Developmental Encephalopathy, Progressive Myoclonus Epilepsy and Abnormal Movements and Neurodegeneration with brain iron accumulation. Number of patients: 73. Only high quality variants are reported.